The following is an entry in ClinVar:

ClinVar aggregate classification (germline): Uncertain significance (1 of 4 stars; one submission).

Conditions:
Inborn genetic diseases. Identifiers: MedGen C0950123, MeSH D030342.

gnomAD v4.1: 1 of 1,580,944 alleles (0.000063%); highest among the groups gnomAD compares: African/African-American, 0.0013%; no homozygotes.

Submission:

Ambry Genetics
Classification: Uncertain significance for Inborn genetic diseases. Last evaluated: 2021-01-13. Review status: criteria provided, single submitter. Criteria: Ambry Variant Classification Scheme 2023. Collection method: clinical testing. Allele origin: germline.
Comment: The c.876C>G (p.F292L) alteration is located in exon 4 (coding exon 4) of the WNT1 gene. This alteration results from a C to G substitution at nucleotide position 876, causing the phenylalanine (F) at amino acid position 292 to be replaced by a leucine (L). The p.F292L alteration is predicted to be tolerated by in silico analysis. Based on insufficient or conflicting evidence, the clinical significance of this alteration remains unclear.

NM_005430.4(WNT1):c.876C>G (p.Phe292Leu)

Gene: WNT1 (Wnt family member 1; plus strand). Cytogenetic location: 12q13.12.
Variant type: single nucleotide variant.
Coding change: c.876C>G on transcript NM_005430.4 (MANE Select); coding-DNA position 876, C replaced by G.
Protein change: p.Phe292Leu; replaces phenylalanine 292 with leucine.
Molecular consequence: missense variant.
Genome position (GRCh38, 1-based): chr12:48,981,403, C>G. VCF-style: chr12-48981403-C-G. GRCh37 (hg19) VCF-style: chr12-49375186-C-G.
Other names: short protein forms F292L.
Identifiers: ClinVar variation 2228658 (VCV002228658.2), dbSNP rs1030926794, ClinGen allele CA384636545.